The following is an entry in ClinVar:

ClinVar aggregate classification (germline): Uncertain significance (1 of 4 stars; one submission).

Allele frequency attached by ClinVar (database versions not stated): gnomAD exomes 0.00001.
gnomAD v4.1: 20 of 1,591,972 alleles (0.0013%); highest among the groups gnomAD compares: Non-Finnish European, 0.0017%; no homozygotes.

Submission:

GeneDx
Classification: Uncertain significance. Last evaluated: 2022-09-29. Review status: criteria provided, single submitter. Criteria: GeneDx Variant Classification Process June 2021. Collection method: clinical testing. Allele origin: germline. Affected: yes.
Comment: Has not been previously published as pathogenic or benign to our knowledge; Not observed at significant frequency in large population cohorts (gnomAD); In silico analysis supports that this missense variant has a deleterious effect on protein structure/function

NM_000254.3(MTR):c.3560T>C (p.Leu1187Pro)

Gene: MTR (5-methyltetrahydrofolate-homocysteine methyltransferase; plus strand). Cytogenetic location: 1q43.
Variant type: single nucleotide variant.
Coding change: c.3560T>C on transcript NM_000254.3 (MANE Select); coding-DNA position 3560, T replaced by C.
Protein change: p.Leu1187Pro; replaces leucine 1187 with proline.
Molecular consequence: missense variant.
Genome position (GRCh38, 1-based): chr1:236,895,512, T>C. VCF-style: chr1-236895512-T-C. GRCh37 (hg19) VCF-style: chr1-237058812-T-C.
Other names: c.3407T>C, p.Leu1136Pro (NM_001291939.1); c.2339T>C, p.Leu780Pro (NM_001291940.2); short protein forms L1136P, L1187P, L780P.
Identifiers: ClinVar variation 1704175 (VCV001704175.3), dbSNP rs2528537155, ClinGen allele CA345390450.
Genomic context (GRCh38, chr1:236,895,512, plus strand): 5'-GGTACAAGGGCATCCGCCCGGCTCCTGGCTACCCCAGCCAGCCCGACCACACCGAGAAGC[T>C]CACCATGTGGAGACTCGCAGACATCGAGCAGTCTACAGGTAGGAGCCAGGAGGCTGCGGG-3'
Protein context (NP_000245.2, residues 1177-1197): YPSQPDHTEK[Leu1187Pro]TMWRLADIEQ